The following is an entry in ClinVar:

NM_000257.4(MYH7):c.329G>T (p.Gly110Val)

Gene: MYH7 (myosin heavy chain 7; minus strand). Cytogenetic location: 14q11.2.
Variant type: single nucleotide variant.
Coding change: c.329G>T on transcript NM_000257.4 (MANE Select); coding-DNA position 329, G replaced by T.
Protein change: p.Gly110Val; replaces glycine 110 with valine.
Molecular consequence: missense variant.
Genome position (GRCh38, 1-based): chr14:23,433,100, C>A on the plus strand (G>T on the coding strand, the complement: MYH7 is on the minus strand). VCF-style: chr14-23433100-C-A. GRCh37 (hg19) VCF-style: chr14-23902309-C-A.
Other names: p.G110V:GGC>GTC; c.329G>T (LRG_384t1); short protein forms G110V.
Identifiers: ClinVar variation 181167 (VCV000181167.1), dbSNP rs730880728, ClinGen allele CA013553.
Genomic context (GRCh38, chr14:23,433,100, plus strand): 5'-AGCAAGAACAGAGATCCCAACGTAGGGCCAGGTGCAGCACTCACGTAGATCATCCAGGAG[C>A]CGTAGCGATCCTTGAGGTTGTAGAGCACCGCGGGCTCATGCAGGAAGGTCAGCATGGCCA-3'
Protein context (NP_000248.2, residues 100-120): AVLYNLKDRY[Gly110Val]SWMIYTYSGL

ClinVar aggregate classification (germline): Likely benign (1 of 4 stars; one submission).

Submission:

GeneDx
Classification: Likely benign. Last evaluated: 2012-10-22. Review status: criteria provided, single submitter. Criteria: GeneDx Variant Classification (06012015). Collection method: clinical testing. Allele origin: germline. Affected: yes.
Comment: This variant is considered likely benign or benign based on one or more of the following criteria: it is a conservative change, it occurs at a poorly conserved position in the protein, it is predicted to be benign by multiple in silico algorithms, and/or has population frequency not consistent with disease.